The following is an entry in ClinVar:

NM_000539.3(RHO):c.194A>T (p.His65Leu)

Gene: RHO (rhodopsin; plus strand). Cytogenetic location: 3q22.1.
Variant type: single nucleotide variant.
Coding change: c.194A>T on transcript NM_000539.3 (MANE Select); coding-DNA position 194, A replaced by T.
Protein change: p.His65Leu; replaces histidine 65 with leucine.
Molecular consequence: missense variant.
Genome position (GRCh38, 1-based): chr3:129,528,927, A>T. VCF-style: chr3-129528927-A-T. GRCh37 (hg19) VCF-style: chr3-129247770-A-T.
Other names: short protein forms H65L.
Identifiers: ClinVar variation 1056434 (VCV001056434.9), dbSNP rs2084757607, ClinGen allele CA354496167.

ClinVar aggregate classification (germline): Uncertain significance (1 of 4 stars; one submission).

Submission:

Labcorp Genetics (formerly Invitae), Labcorp
Classification: Uncertain significance. Last evaluated: 2023-12-11. Review status: criteria provided, single submitter. Criteria: Invitae Variant Classification Sherloc (09022015). Collection method: clinical testing. Allele origin: germline.
Comment: This sequence change replaces histidine, which is basic and polar, with leucine, which is neutral and non-polar, at codon 65 of the RHO protein (p.His65Leu). This variant is not present in population databases (gnomAD no frequency). This variant has not been reported in the literature in individuals affected with RHO-related conditions. ClinVar contains an entry for this variant (Variation ID: 1056434). Advanced modeling of protein sequence and biophysical properties (such as structural, functional, and spatial information, amino acid conservation, physicochemical variation, residue mobility, and thermodynamic stability) performed at Invitae indicates that this missense variant is not expected to disrupt RHO protein function with a negative predictive value of 80%. In summary, the available evidence is currently insufficient to determine the role of this variant in disease. Therefore, it has been classified as a Variant of Uncertain Significance.